The following is an entry in ClinVar:

NM_003036.4(SKI):c.1562T>C (p.Leu521Pro)

Gene: SKI (SKI proto-oncogene; plus strand). Cytogenetic location: 1p36.32.
Variant type: single nucleotide variant.
Coding change: c.1562T>C on transcript NM_003036.4 (MANE Select); coding-DNA position 1562, T replaced by C.
Protein change: p.Leu521Pro; replaces leucine 521 with proline.
Molecular consequence: missense variant.
Genome position (GRCh38, 1-based): chr1:2,304,380, T>C. VCF-style: chr1-2304380-T-C. GRCh37 (hg19) VCF-style: chr1-2235819-T-C.
Other names: short protein forms L521P.
Identifiers: ClinVar variation 934404 (VCV000934404.9), dbSNP rs1161295504, ClinGen allele CA337957255.

ClinVar aggregate classification (germline): Uncertain significance (1 of 4 stars; one submission).

Conditions:
Shprintzen-Goldberg syndrome (SGS). Also called: SHPRINTZEN-GOLDBERG CRANIOSYNOSTOSIS SYNDROME; CRANIOSYNOSTOSIS WITH ARACHNODACTYLY AND ABDOMINAL HERNIAS; Marfanoid disorder with craniosynostosis type 1; Marfanoid craniosynostosis syndrome; Shprintzen-Goldberg marfanoid syndrome. Identifiers: Orphanet 2462, MedGen C1321551, MONDO:0008426, OMIM 182212.

Allele frequency attached by ClinVar (database versions not stated): gnomAD exomes below 0.00001; gnomAD 0.00001.
gnomAD v4.1: 2 of 1,551,810 alleles (0.00013%); highest among the groups gnomAD compares: South Asian, 0.0012%; no homozygotes.

Submission:

Labcorp Genetics (formerly Invitae), Labcorp
Classification: Uncertain significance for Shprintzen-Goldberg syndrome. Last evaluated: 2024-08-12. Review status: criteria provided, single submitter. Criteria: Invitae Variant Classification Sherloc (09022015). Collection method: clinical testing. Allele origin: germline.
Comment: This sequence change replaces leucine, which is neutral and non-polar, with proline, which is neutral and non-polar, at codon 521 of the SKI protein (p.Leu521Pro). This variant is present in population databases (no rsID available, gnomAD 0.007%). This variant has not been reported in the literature in individuals affected with SKI-related conditions. ClinVar contains an entry for this variant (Variation ID: 934404). Advanced modeling of protein sequence and biophysical properties (such as structural, functional, and spatial information, amino acid conservation, physicochemical variation, residue mobility, and thermodynamic stability) performed at Invitae indicates that this missense variant is not expected to disrupt SKI protein function with a negative predictive value of 95%. In summary, the available evidence is currently insufficient to determine the role of this variant in disease. Therefore, it has been classified as a Variant of Uncertain Significance.